The following is an entry in ClinVar:

ClinVar aggregate classification (germline): Pathogenic (1 of 4 stars; one submission).

Allele frequency attached by ClinVar (database versions not stated): gnomAD exomes below 0.00001.

Submission:

Labcorp Genetics (formerly Invitae), Labcorp
Classification: Pathogenic. Last evaluated: 2025-06-12. Review status: criteria provided, single submitter. Criteria: Invitae Variant Classification Sherloc (09022015). Collection method: clinical testing. Allele origin: germline.
Comment: This sequence change creates a premature translational stop signal (p.Ser463Thrfs*15) in the CD2AP gene. It is expected to result in an absent or disrupted protein product. Loss-of-function variants in CD2AP are known to be pathogenic (PMID: 10514378, 12764198, 17713465, 19131354, 30612599, 34408996). This variant is not present in population databases (gnomAD no frequency). This variant has not been reported in the literature in individuals affected with CD2AP-related conditions. ClinVar contains an entry for this variant (Variation ID: 2052128). For these reasons, this variant has been classified as Pathogenic.

Literature cited by the submitters: PubMed 10514378; PubMed 12764198; PubMed 17713465; PubMed 19131354; PubMed 30612599; PubMed 34408996.

NM_012120.3(CD2AP):c.1386_1387del (p.Ser463fs)

Gene: CD2AP (CD2 associated protein; plus strand). Cytogenetic location: 6p12.3.
Variant type: Deletion.
Coding change: c.1386_1387del on transcript NM_012120.3 (MANE Select); coding-DNA positions 1386 to 1387, 2 bases deleted (TT; older notation c.1386_1387delTT).
Protein change: p.Ser463fs; shifts the reading frame from serine 463.
Molecular consequence: frameshift variant.
Genome position (GRCh38, 1-based): chr6:47,599,412-47,599,413, TT deleted. VCF-style (leftmost placement, unchanged base first): chr6-47599411-ATT-A. GRCh37 (hg19) VCF-style: chr6-47567147-ATT-A.
Other names: short protein forms S463fs.
Identifiers: ClinVar variation 2052128 (VCV002052128.4), dbSNP rs1769050790, ClinGen allele CA1626453522.